The following is an entry in ClinVar:

NM_020824.4(ARHGAP21):c.3438C>T (p.Gly1146=)

Gene: ARHGAP21 (Rho GTPase activating protein 21; minus strand). Cytogenetic location: 10p12.1.
Variant type: single nucleotide variant.
Coding change: c.3438C>T on transcript NM_020824.4 (MANE Select); coding-DNA position 3438, C replaced by T.
Protein change: p.Gly1146=; no amino-acid change (glycine 1146 retained).
Molecular consequence: synonymous variant. On other transcripts: non-coding transcript variant (5).
Genome position (GRCh38, 1-based): chr10:24,596,779, G>A on the plus strand (C>T on the coding strand, the complement: ARHGAP21 is on the minus strand). VCF-style: chr10-24596779-G-A. GRCh37 (hg19) VCF-style: chr10-24885708-G-A.
Other names: c.3408C>T, p.Gly1136= (NM_001367447.1, NM_001367451.1, NM_001367453.1); c.3438C>T, p.Gly1146= (NM_001367448.1, NM_001367454.1); c.3144C>T, p.Gly1048= (NM_001367449.1, NM_001367450.1); c.2967C>T, p.Gly989= (NM_001367452.1); c.2799C>T, p.Gly933= (NM_001367455.1).
Identifiers: ClinVar variation 2640353 (VCV002640353.24), dbSNP rs148593296, ClinGen allele CA5441318.

ClinVar aggregate classification (germline): Likely benign (1 of 4 stars; one submission).

Allele frequency attached by ClinVar (database versions not stated): 1000 Genomes Project 30x 0.00031; 1000 Genomes Project 0.00040; ExAC 0.00080; gnomAD 0.00123; ESP Exome Variant Server 0.00131; TOPMed 0.00142; gnomAD exomes 0.00177.
gnomAD v4.1: 2,732 of 1,612,458 alleles (0.17%); highest among the groups gnomAD compares: Non-Finnish European, 0.22%; no homozygotes.

Submission:

CeGaT Center for Human Genetics Tuebingen
Classification: Likely benign. Last evaluated: 2022-04-01. Review status: criteria provided, single submitter. Criteria: CeGaT Center For Human Genetics Tuebingen Variant Classification Criteria Version 2. Collection method: clinical testing. Allele origin: germline. Affected: yes. Observed: 1 variant allele.
Comment: ARHGAP21: BP4, BP7